The following is an entry in ClinVar:

NM_004369.4(COL6A3):c.3070+4T>C

Gene: COL6A3 (collagen type VI alpha 3 chain; minus strand). Cytogenetic location: 2q37.3.
Variant type: single nucleotide variant.
Coding change: c.3070+4T>C on transcript NM_004369.4 (MANE Select); 4 bases into the intron after coding-DNA position 3070, T replaced by C.
Molecular consequence: intron variant.
Genome position (GRCh38, 1-based): chr2:237,376,768, A>G on the plus strand (T>C on the coding strand, the complement: COL6A3 is on the minus strand). VCF-style: chr2-237376768-A-G. GRCh37 (hg19) VCF-style: chr2-238285411-A-G.
Other names: c.1249+4T>C (NM_057166.5); c.2452+4T>C (NM_057167.4, NM_057165.5); c.1849+4T>C (NM_057164.5).
Identifiers: ClinVar variation 706607 (VCV000706607.10), dbSNP rs201456189, ClinGen allele CA67825069.

ClinVar aggregate classification (germline): Likely benign. Review status: criteria provided, single submitter (1 of 4 stars). 2 submissions from 2 submitters: Likely benign (1). 1 of the submissions does not count toward it. Last evaluated 2023-02-28.

Conditions:
COL6A3-related disorder. Also called: COL6A3-related disorders; COL6A3-related condition.
Bethlem myopathy 1A. Also called: MYOPATHY, BENIGN CONGENITAL, WITH CONTRACTURES; Bethlem Muscular Dystrophy; Bethlem myopathy 1. Identifiers: Orphanet 610, MedGen CN029274, MONDO:0024530, OMIM 158810.

Allele frequency attached by ClinVar (database versions not stated): gnomAD exomes below 0.00001; gnomAD 0.00001; TOPMed 0.00001.
gnomAD v4.1: 5 of 1,613,836 alleles (0.00031%); highest among the groups gnomAD compares: Non-Finnish European, 0.00042%; no homozygotes.

Submissions (2):

Labcorp Genetics (formerly Invitae), Labcorp
Classification: Likely benign for Bethlem myopathy 1A. Last evaluated: 2023-02-28. Review status: criteria provided, single submitter. Criteria: Invitae Variant Classification Sherloc (09022015). Collection method: clinical testing. Allele origin: germline.

PreventionGenetics, part of Exact Sciences
Classification: Likely benign for COL6A3-related condition. Last evaluated: 2021-03-24. Review status: no assertion criteria provided. Collection method: clinical testing. Allele origin: germline. Not counted in ClinVar's aggregate classification.
Comment: This variant is classified as likely benign based on ACMG/AMP sequence variant interpretation guidelines (Richards et al. 2015 PMID: 25741868, with internal and published modifications).